The following is an entry in ClinVar:

ClinVar aggregate classification (germline): Pathogenic. Review status: criteria provided, multiple submitters, no conflicts (2 of 4 stars). 3 submissions from 3 submitters: Pathogenic (3). Last evaluated 2024-09-11.

Conditions:
Autosomal recessive limb-girdle muscular dystrophy type 2E (LGMDR4). Also called: MUSCULAR DYSTROPHY, LIMB-GIRDLE, AUTOSOMAL RECESSIVE 4. Identifiers: Orphanet 119, MedGen C1858593, MONDO:0011423, OMIM 604286. Disease mechanism: Affects gamma-sarcoglycan and also disrupts the integrity of the entire sarcoglycan complex..

Submissions (3):

GeneDx
Classification: Pathogenic. Last evaluated: 2024-09-11. Review status: criteria provided, single submitter. Criteria: GeneDx Variant Classification Process June 2021. Collection method: clinical testing. Allele origin: germline. Affected: yes.
Comment: Frameshift variant predicted to result in protein truncation or nonsense mediated decay in a gene for which loss of function is a known mechanism of disease; Not observed at significant frequency in large population cohorts (gnomAD); This variant is associated with the following publications: (PMID: 25862795)

Revvity Omics, Revvity
Classification: Pathogenic for Autosomal recessive limb-girdle muscular dystrophy type 2E. Last evaluated: 2024-03-28. Review status: criteria provided, single submitter. Criteria: ACMG Guidelines, 2015. Collection method: clinical testing. Allele origin: germline.

Baylor Genetics
Classification: Pathogenic for Autosomal recessive limb-girdle muscular dystrophy type 2E. Last evaluated: 2023-09-01. Review status: criteria provided, single submitter. Criteria: ACMG Guidelines, 2015. Collection method: clinical testing. Allele origin: unknown.

NM_000232.5(SGCB):c.36_37delinsG (p.Ser13fs)

Gene: SGCB (sarcoglycan beta; minus strand). Cytogenetic location: 4q12.
Variant type: Indel.
Coding change: c.36_37delinsG on transcript NM_000232.5 (MANE Select); coding-DNA positions 36 to 37, AA replaced by G.
Protein change: p.Ser13fs; shifts the reading frame from serine 13.
Molecular consequence: frameshift variant.
Genome position (GRCh38, 1-based): chr4:52,033,637-52,033,638, TT replaced by C on the plus strand (AA replaced by G on the coding strand, the reverse complement: SGCB is on the minus strand). VCF-style: chr4-52033637-TT-C. GRCh37 (hg19) VCF-style: chr4-52899803-TT-C.
Other names: c.36_37delinsG (NM_000232.4); short protein forms S13fs.
Identifiers: ClinVar variation 2678683 (VCV002678683.4), dbSNP rs2475230629, ClinGen allele CA2586973778.